The following is an entry in ClinVar:

ClinVar aggregate classification (germline): Conflicting classifications of pathogenicity. Review status: criteria provided, conflicting classifications (1 of 4 stars). 2 submissions from 2 submitters: Uncertain significance (1); Likely benign (1). Last evaluated 2024-08-26.

Conditions:
Aicardi-Goutieres syndrome 5. Identifiers: Orphanet 51, MedGen C2749659, MONDO:0013059, OMIM 612952.

Allele frequency attached by ClinVar (database versions not stated): gnomAD 0.00001; TOPMed 0.00001; gnomAD exomes 0.00002.
gnomAD v4.1: 27 of 1,613,916 alleles (0.0017%); highest among the groups gnomAD compares: Middle Eastern, 0.016%; no homozygotes.

Submissions (2):

Blueprint Genetics
Classification: Likely benign. Last evaluated: 2024-08-26. Review status: criteria provided, single submitter. Criteria: ACMG Guidelines, 2015. Collection method: clinical testing. Allele origin: germline.

Labcorp Genetics (formerly Invitae), Labcorp
Classification: Uncertain significance for Aicardi-Goutieres syndrome 5. Last evaluated: 2024-07-01. Review status: criteria provided, single submitter. Criteria: Invitae Variant Classification Sherloc (09022015). Collection method: clinical testing. Allele origin: germline.
Comment: This sequence change replaces arginine, which is basic and polar, with cysteine, which is neutral and slightly polar, at codon 609 of the SAMHD1 protein (p.Arg609Cys). This variant is present in population databases (no rsID available, gnomAD 0.01%). This variant has not been reported in the literature in individuals affected with SAMHD1-related conditions. ClinVar contains an entry for this variant (Variation ID: 2146169). Algorithms developed to predict the effect of missense changes on protein structure and function output the following: SIFT: "Not Available"; PolyPhen-2: "Benign"; Align-GVGD: "Not Available". The cysteine amino acid residue is found in multiple mammalian species, which suggests that this missense change does not adversely affect protein function. In summary, the available evidence is currently insufficient to determine the role of this variant in disease. Therefore, it has been classified as a Variant of Uncertain Significance.

NM_015474.4(SAMHD1):c.1825C>T (p.Arg609Cys)

Genes: SAMHD1 (SAM and HD domain containing deoxynucleoside triphosphate triphosphohydrolase 1; minus strand), TLDC2 (TBC/LysM-associated domain containing 2; plus strand). Cytogenetic location: 20q11.23.
Variant type: single nucleotide variant.
Coding change: c.1825C>T on transcript NM_015474.4 (MANE Select); coding-DNA position 1825, C replaced by T.
Protein change: p.Arg609Cys; replaces arginine 609 with cysteine.
Molecular consequence: missense variant. On other transcripts: 3 prime UTR variant (3).
Genome position (GRCh38, 1-based): chr20:36,892,988, G>A on the plus strand (C>T on the coding strand, the complement: SAMHD1 is on the minus strand). VCF-style: chr20-36892988-G-A. GRCh37 (hg19) VCF-style: chr20-35521391-G-A.
Other names: c.*144G>A (NM_001304783.1, NM_080628.3); c.1720C>T, p.Arg574Cys (NM_001363729.2); c.*918C>T (NM_001363733.2); short protein forms R609C, R574C.
Identifiers: ClinVar variation 2146169 (VCV002146169.3), dbSNP rs1468297497, ClinGen allele CA408838376.